The following is an entry in ClinVar:

NM_000059.4(BRCA2):c.8695C>T (p.Gln2899Ter)

Gene: BRCA2 (BRCA2 DNA repair associated; plus strand). Cytogenetic location: 13q13.1.
Variant type: single nucleotide variant.
Coding change: c.8695C>T on transcript NM_000059.4 (MANE Select); coding-DNA position 8695, C replaced by T.
Protein change: p.Gln2899Ter; replaces glutamine 2899 with a stop codon.
Molecular consequence: nonsense.
Genome position (GRCh38, 1-based): chr13:32,376,732, C>T. VCF-style: chr13-32376732-C-T. GRCh37 (hg19) VCF-style: chr13-32950869-C-T.
Other names: 8923C>T; short protein forms Q2899*.
Identifiers: ClinVar variation 38179 (VCV000038179.56), dbSNP rs397507411, ClinGen allele CA025783.
Genomic context (GRCh38, chr13:32,376,732, plus strand): 5'-AACACAACAAAACCATATTTACCATCACGTGCACTAACAAGACAGCAAGTTCGTGCTTTG[C>T]AAGATGGTGCAGAGCTTTATGAAGCAGTGAAGAATGCAGCAGACCCAGCTTACCTTGAGG-3'

ClinVar aggregate classification (germline): Pathogenic. Review status: reviewed by expert panel (3 of 4 stars). 16 submissions from 16 submitters: Pathogenic (1). 15 of the submissions do not count toward it. Last evaluated 2016-09-08.

Conditions:
BRCA2-related disorder. Also called: BRCA2-related condition; BRCA2-related disorders. Identifiers: MedGen CN239275.
Hereditary cancer-predisposing syndrome. Also called: Tumor predisposition; Hereditary neoplastic syndrome; Neoplastic Syndromes, Hereditary; Hereditary Cancer Syndrome. Identifiers: Orphanet 140162, MedGen C0027672, MeSH D009386, MONDO:0015356.
Hereditary breast ovarian cancer syndrome. Also called: Hereditary breast and ovarian cancer syndrome (HBOC); Breast and ovarian cancer; Hereditary breast and ovarian cancer syndrome; Hereditary breast and ovarian cancer; BRCA1- and BRCA2-Associated Hereditary Breast and Ovarian Cancer; Hereditary breast and/or ovarian cancer syndrome. Identifiers: Orphanet 145, MedGen C0677776, MeSH D061325, MONDO:0003582. Disease mechanism: loss of function.
Breast-ovarian cancer, familial, susceptibility to, 2 (BROVCA2). Also called: BRCA2 Hereditary Breast and Ovarian Cancer. Identifiers: Orphanet 145, MedGen C2675520, MONDO:0012933, OMIM 612555. Disease mechanism: loss of function.
Familial cancer of breast. Also called: Hereditary breast cancer; hereditary breast carcinoma; BREAST CANCER, FAMILIAL. Identifiers: Orphanet 227535, MedGen C0346153, MONDO:0016419, OMIM 114480. Disease mechanism: loss of function.

Allele frequency attached by ClinVar (database versions not stated): gnomAD exomes below 0.00001.
gnomAD v4.1: 1 of 1,614,084 alleles (0.000062%); highest among the groups gnomAD compares: Non-Finnish European, 0.000085%; no homozygotes.

Submissions (16):

Evidence-based Network for the Interpretation of Germline Mutant Alleles (ENIGMA)
Classification: Pathogenic for Breast-ovarian cancer, familial, susceptibility to, 2. Last evaluated: 2016-09-08. Review status: reviewed by expert panel. Criteria: ENIGMA BRCA1/2 Classification Criteria (2015). Collection method: curation. Allele origin: germline.
Comment: Variant allele predicted to encode a truncated non-functional protein.

Institute of Human Genetics, University of Leipzig Medical Center
Classification: Pathogenic for Familial cancer of breast. Last evaluated: 2026-04-07. Review status: criteria provided, single submitter. Criteria: ACMG Guidelines, 2015. Collection method: clinical testing. Allele origin: unknown. Inheritance: Autosomal dominant inheritance. Affected: yes. Not counted in ClinVar's aggregate classification.
Comment: Criteria applied: PVS1,PM2_SUP,PM5_SUP

Labcorp Genetics (formerly Invitae), Labcorp
Classification: Pathogenic for Hereditary breast ovarian cancer syndrome. Last evaluated: 2025-12-27. Review status: criteria provided, single submitter. Criteria: Invitae Variant Classification Sherloc (09022015). Collection method: clinical testing. Allele origin: germline. Not counted in ClinVar's aggregate classification.
Comment: This sequence change creates a premature translational stop signal (p.Gln2899*) in the BRCA2 gene. It is expected to result in an absent or disrupted protein product. Loss-of-function variants in BRCA2 are known to be pathogenic (PMID: 20104584). This variant is not present in population databases (gnomAD no frequency). This premature translational stop signal has been observed in individual(s) with breast and/or ovarian cancer (PMID: 11802209, 26026974, 26556299, 29785153). This variant is also known as 8923C>T. ClinVar contains an entry for this variant (Variation ID: 38179). For these reasons, this variant has been classified as Pathogenic.

Daryl Scott Lab, Baylor College of Medicine
Classification: Pathogenic for BRCA2-related disorder. Last evaluated: 2024-01-01. Review status: criteria provided, single submitter. Criteria: ACMG Guidelines, 2015. Collection method: clinical testing. Allele origin: maternal. Observed: 1 heterozygote. Not counted in ClinVar's aggregate classification.
Comment: PVS1, PS3, PS4, PM2, PM3, PP1

Ambry Genetics
Classification: Pathogenic for Hereditary cancer-predisposing syndrome. Last evaluated: 2023-08-31. Review status: criteria provided, single submitter. Criteria: Ambry Variant Classification Scheme 2023. Collection method: clinical testing. Allele origin: germline. Not counted in ClinVar's aggregate classification.
Comment: The p.Q2899* pathogenic mutation (also known as c.8695C>T), located in coding exon 20 of the BRCA2 gene, results from a C to T substitution at nucleotide position 8695. This changes the amino acid from a glutamine to a stop codon within coding exon 20. Of note, this alteration is also designated as 8923C>T in published literature. In addition to the clinical data presented in the literature, this alteration is expected to result in loss of function by premature protein truncation or nonsense-mediated mRNA decay. As such, this alteration is interpreted as a disease-causing mutation.

Baylor Genetics
Classification: Pathogenic for Familial cancer of breast. Last evaluated: 2023-08-11. Review status: criteria provided, single submitter. Criteria: ACMG Guidelines, 2015. Collection method: clinical testing. Allele origin: unknown. Not counted in ClinVar's aggregate classification.

All of Us Research Program, National Institutes of Health
Classification: Pathogenic for Breast-ovarian cancer, familial, susceptibility to, 2. Last evaluated: 2023-04-28. Review status: criteria provided, single submitter. Criteria: ACMG Guidelines, 2015. Collection method: clinical testing. Allele origin: germline. Inheritance: Autosomal dominant inheritance. Observed: 1 variant allele, 1 heterozygote. Not counted in ClinVar's aggregate classification.
Comment: This variant changes 1 nucleotide in exon 21 of the BRCA2 gene, creating a premature translation stop signal. This variant is also known as 8923C>T in the literature. This variant is expected to result in an absent or non-functional protein product. This variant has been reported in at least five individuals affected with breast cancer, including two male individuals (PMID: 15172125, 26026974, 26556299, 29785153, 33471991, 35409996). This variant has not been identified in the general population by the Genome Aggregation Database (gnomAD). Loss of BRCA2 function is a known mechanism of disease. Based on the available evidence, this variant is classified as Pathogenic.

This study involves interpretation of variants in research participants for the purpose of population health screening. Participant phenotype was not available at the time of variant classification. Additional details can be found in publication PMID: 35346344, PMCID: PMC8962531

Genetics Program, Instituto Nacional de Cancer
Classification: Pathogenic for Hereditary breast ovarian cancer syndrome. Last evaluated: 2021-11-01. Review status: criteria provided, single submitter. Criteria: ACMG Guidelines, 2015. Collection method: research. Allele origin: germline. Affected: yes. Not counted in ClinVar's aggregate classification.

Clinical Genetics and Genomics, Karolinska University Hospital
Classification: Pathogenic. Last evaluated: 2020-02-18. Review status: criteria provided, single submitter. Criteria: ACMG Guidelines, 2015. Collection method: clinical testing. Allele origin: germline. Affected: yes. Observed: 1 variant allele. Not counted in ClinVar's aggregate classification.

GeneKor MSA
Classification: Pathogenic for Hereditary Breast Carcinoma. Last evaluated: 2020-01-01. Review status: criteria provided, single submitter. Criteria: ACMG Guidelines, 2015. Collection method: clinical testing. Allele origin: germline. Affected: yes. Not counted in ClinVar's aggregate classification.
Comment: This variant is a single amino acid change from Glutamine to a termination codon at amino acid residue 2899 of the BRCA2 gene. It results in a truncated non-functional protein. Truncating variants in the BRCA2 gene are known to be pathogenic. The mutation database ClinVar contains entries for this variant (Variation ID: 38179).

Women's Health and Genetics/Laboratory Corporation of America, LabCorp
Classification: Pathogenic for Hereditary breast and ovarian cancer syndrome. Last evaluated: 2018-04-20. Review status: criteria provided, single submitter. Criteria: LabCorp Variant Classification Summary - May 2015. Collection method: clinical testing. Allele origin: germline. Not counted in ClinVar's aggregate classification.
Comment: Variant summary: BRCA2 c.8695C>T (p.Gln2899X) results in a premature termination codon, predicted to cause a truncation of the encoded protein or absence of the protein due to nonsense mediated decay, which are commonly known mechanisms for disease. The variant was absent in 246120 control chromosomes. c.8695C>T has been reported in the literature in several individuals affected with Hereditary Breast and Ovarian Cancer. These data indicate that the variant is likely to be associated with disease. At least one publication reports experimental evidence showing a significant increase in spontaneous sister chromatid exchanges in metaphase spreads (Kim_2004). Five clinical diagnostic laboratories have submitted clinical-significance assessments for this variant to ClinVar after 2014 and all classified the variant as pathogenic. Based on the evidence outlined above, the variant was classified as pathogenic.

ARUP Laboratories, Molecular Genetics and Genomics, ARUP Laboratories
Classification: Pathogenic. Last evaluated: 2016-12-12. Review status: criteria provided, single submitter. Criteria: ARUP Molecular Germline Variant Investigation Process. Collection method: clinical testing. Allele origin: germline. Not counted in ClinVar's aggregate classification.

Consortium of Investigators of Modifiers of BRCA1/2 (CIMBA), c/o University of Cambridge
Classification: Pathogenic for Breast-ovarian cancer, familial, susceptibility to, 2. Last evaluated: 2015-10-02. Review status: criteria provided, single submitter. Criteria: CIMBA Mutation Classification guidelines May 2016. Collection method: clinical testing. Allele origin: germline. Not counted in ClinVar's aggregate classification.

Hadassah Hebrew University Medical Center
Classification: Pathogenic for Breast-ovarian cancer, familial, susceptibility to, 2. Review status: criteria provided, single submitter. Criteria: ACMG Guidelines, 2015. Collection method: research. Allele origin: germline. Affected: no. Observed: 1 variant allele. Not counted in ClinVar's aggregate classification.

Molecular Oncology, Hospital Universitario Central de Asturias (HUCA)
Classification: Pathogenic for Breast-ovarian cancer, familial, susceptibility to, 2. Last evaluated: 2021-05-24. Review status: no assertion criteria provided. Collection method: case-control. Allele origin: germline. Affected: yes. Not counted in ClinVar's aggregate classification.

Sharing Clinical Reports Project (SCRP)
Classification: Pathogenic for Breast-ovarian cancer, familial 2. Last evaluated: 2009-12-09. Review status: no assertion criteria provided. Collection method: clinical testing. Allele origin: germline. Not counted in ClinVar's aggregate classification.

Literature cited by the submitters: PubMed 20104584 (cited by Labcorp Genetics (formerly Invitae), Labcorp); PubMed 11802209 (cited by 3 submitters); PubMed 26026974 (cited by 3 submitters); PubMed 26556299 (cited by Labcorp Genetics (formerly Invitae), Labcorp and All of Us Research Program, National Institutes of Health); PubMed 29785153 (cited by Labcorp Genetics (formerly Invitae), Labcorp and All of Us Research Program, National Institutes of Health); PubMed 16826315 (cited by Ambry Genetics and Women's Health and Genetics/Laboratory Corporation of America, LabCorp); PubMed 15172125 (cited by All of Us Research Program, National Institutes of Health and Women's Health and Genetics/Laboratory Corporation of America, LabCorp); PubMed 33471991 (cited by All of Us Research Program, National Institutes of Health); PubMed 35409996 (cited by All of Us Research Program, National Institutes of Health); PubMed 36329109 (cited by Genetics Program, Instituto Nacional de Cancer); PubMed 38922859 (cited by Molecular Oncology, Hospital Universitario Central de Asturias (HUCA)).